The following is an entry in ClinVar:

ClinVar aggregate classification (germline): Uncertain significance. Review status: criteria provided, multiple submitters, no conflicts (2 of 4 stars). 2 submissions from 2 submitters: Uncertain significance (2). Last evaluated 2024-02-05.

Conditions:
Spermatogenic failure 18. Identifiers: MedGen C4539783, MONDO:0054615, OMIM 617576.
Ciliary dyskinesia, primary, 37 (CILD37). Also called: CILIARY DYSKINESIA, PRIMARY, 37, WITH OR WITHOUT SITUS INVERSUS. Identifiers: MedGen C4539798, MONDO:0033204, OMIM 617577.

Allele frequency attached by ClinVar (database versions not stated): gnomAD exomes below 0.00001; gnomAD 0.00001; TOPMed 0.00001.
gnomAD v4.1: 7 of 1,613,616 alleles (0.00043%); highest among the groups gnomAD compares: East Asian, 0.0045%; no homozygotes.

Submissions (2):

Ambry Genetics
Classification: Uncertain significance. Last evaluated: 2024-02-05. Review status: criteria provided, single submitter. Criteria: Ambry Variant Classification Scheme 2023. Collection method: clinical testing. Allele origin: germline.

Labcorp Genetics (formerly Invitae), Labcorp
Classification: Uncertain significance for Ciliary dyskinesia, primary, 37; Spermatogenic failure 18. Last evaluated: 2022-11-22. Review status: criteria provided, single submitter. Criteria: Invitae Variant Classification Sherloc (09022015). Collection method: clinical testing. Allele origin: germline.
Comment: ClinVar contains an entry for this variant (Variation ID: 569713). In summary, the available evidence is currently insufficient to determine the role of this variant in disease. Therefore, it has been classified as a Variant of Uncertain Significance. Advanced modeling of protein sequence and biophysical properties (such as structural, functional, and spatial information, amino acid conservation, physicochemical variation, residue mobility, and thermodynamic stability) performed at Invitae indicates that this missense variant is not expected to disrupt DNAH1 protein function. This variant has not been reported in the literature in individuals affected with DNAH1-related conditions. This variant is not present in population databases (gnomAD no frequency). This sequence change replaces glutamic acid, which is acidic and polar, with lysine, which is basic and polar, at codon 1771 of the DNAH1 protein (p.Glu1771Lys).

NM_015512.5(DNAH1):c.5311G>A (p.Glu1771Lys)

Gene: DNAH1 (dynein axonemal heavy chain 1; plus strand). Cytogenetic location: 3p21.1.
Variant type: single nucleotide variant.
Coding change: c.5311G>A on transcript NM_015512.5 (MANE Select); coding-DNA position 5311, G replaced by A.
Protein change: p.Glu1771Lys; replaces glutamic acid 1771 with lysine.
Molecular consequence: missense variant.
Genome position (GRCh38, 1-based): chr3:52,364,704, G>A. VCF-style: chr3-52364704-G-A. GRCh37 (hg19) VCF-style: chr3-52398720-G-A.
Other names: short protein forms E1771K.
Identifiers: ClinVar variation 569713 (VCV000569713.5), dbSNP rs1479169341, ClinGen allele CA353143162.